The following is an entry in ClinVar:

NM_001257293.2(HNRNPH1):c.881G>A (p.Arg294Gln)

Genes: HNRNPH1 (heterogeneous nuclear ribonucleoprotein H1; minus strand), LOC128966623 (uncharacterized LOC128966623; plus strand). Cytogenetic location: 5q35.3.
Variant type: single nucleotide variant.
Coding change: c.881G>A on transcript NM_001257293.2 (MANE Select); coding-DNA position 881, G replaced by A.
Protein change: p.Arg294Gln; replaces arginine 294 with glutamine.
Molecular consequence: missense variant.
Genome position (GRCh38, 1-based): chr5:179,617,839, C>T on the plus strand (G>A on the coding strand, the complement: HNRNPH1 is on the minus strand). VCF-style: chr5-179617839-C-T. GRCh37 (hg19) VCF-style: chr5-179044840-C-T.
Other names: c.881G>A, p.Arg294Gln (NM_001363572.2, NM_001364225.2, NM_001364226.2 and 27 more transcripts); c.860G>A, p.Arg287Gln (NM_001364240.2, NM_001364241.2, NM_001364242.2 and 6 more transcripts); c.725G>A, p.Arg242Gln (NM_001364250.2); c.278G>A, p.Arg93Gln (NM_001364251.2, NM_001364252.2, NM_001364253.2 and 4 more transcripts); c.650G>A, p.Arg217Gln (NM_001395190.1); c.563G>A, p.Arg188Gln (NM_001395191.1, NM_001395192.1); c.470G>A, p.Arg157Gln (NM_001395193.1); short protein forms R157Q, R188Q, R217Q, R242Q, R287Q, R294Q, R93Q.
Identifiers: ClinVar variation 3372654 (VCV003372654.1).
Genomic context (GRCh38, chr5:179,617,839, plus strand): 5'-TGAGTTCATCTCACACTTACATTATAAATGTCATTCTCAGTAGCTCTGTAAGGTAATCCC[C>T]GCATGTGTACACAGTGTCCTGTTGTGCTCTGGAAAGTAGAGCCACCATCCCCGTATCTGT-3'
Protein context (NP_001244222.1, residues 284-304): QSTTGHCVHM[Arg294Gln]GLPYRATEND

ClinVar aggregate classification (germline): Uncertain significance (1 of 4 stars; one submission).

Submission:

GeneDx
Classification: Uncertain significance. Last evaluated: 2024-04-19. Review status: criteria provided, single submitter. Criteria: GeneDx Variant Classification Process June 2021. Collection method: clinical testing. Allele origin: germline. Affected: yes.
Comment: Not observed at significant frequency in large population cohorts (gnomAD); In silico analysis supports that this missense variant has a deleterious effect on protein structure/function; Has not been previously published as pathogenic or benign to our knowledge